The following is an entry in ClinVar:

NM_007194.4(CHEK2):c.792+6T>C

Gene: CHEK2 (checkpoint kinase 2; minus strand). Cytogenetic location: 22q12.1.
Variant type: single nucleotide variant.
Coding change: c.792+6T>C on transcript NM_007194.4 (MANE Select); 6 bases into the intron after coding-DNA position 792, T replaced by C.
Molecular consequence: intron variant.
Genome position (GRCh38, 1-based): chr22:28,711,903, A>G on the plus strand (T>C on the coding strand, the complement: CHEK2 is on the minus strand). VCF-style: chr22-28711903-A-G. GRCh37 (hg19) VCF-style: chr22-29107891-A-G.
Other names: c.129+6T>C (NM_001437942.1, NM_001257387.3); c.591+6T>C (NM_001349956.3); c.792+6T>C (NM_145862.3); c.885+6T>C (NM_001438295.1, NM_001438293.1); c.921+6T>C (NM_001438294.1, NM_001005735.3).
Identifiers: ClinVar variation 2830274 (VCV002830274.3), dbSNP rs2145948490, ClinGen allele CA2655955246.

ClinVar aggregate classification (germline): Uncertain significance (1 of 4 stars; one submission).

Conditions:
Familial cancer of breast. Also called: hereditary breast carcinoma; BREAST CANCER, FAMILIAL; Hereditary breast cancer. Identifiers: Orphanet 227535, MedGen C0346153, MONDO:0016419, OMIM 114480. Disease mechanism: loss of function.

Submission:

Labcorp Genetics (formerly Invitae), Labcorp
Classification: Uncertain significance for Familial cancer of breast. Last evaluated: 2023-01-19. Review status: criteria provided, single submitter. Criteria: Invitae Variant Classification Sherloc (09022015). Collection method: clinical testing. Allele origin: germline.
Comment: This variant has not been reported in the literature in individuals affected with CHEK2-related conditions. Variants that disrupt the consensus splice site are a relatively common cause of aberrant splicing (PMID: 17576681, 9536098). Algorithms developed to predict the effect of sequence changes on RNA splicing suggest that this variant may create or strengthen a splice site. In summary, the available evidence is currently insufficient to determine the role of this variant in disease. Therefore, it has been classified as a Variant of Uncertain Significance. This variant is not present in population databases (gnomAD no frequency). This sequence change falls in intron 6 of the CHEK2 gene. It does not directly change the encoded amino acid sequence of the CHEK2 protein. It affects a nucleotide within the consensus splice site.

Literature cited by the submitters: PubMed 17576681; PubMed 9536098.